The following is an entry in ClinVar:

ClinVar aggregate classification (germline): Pathogenic/Likely pathogenic. Review status: criteria provided, multiple submitters, no conflicts (2 of 4 stars). 2 submissions from 2 submitters: Pathogenic (1); Likely pathogenic (1). Last evaluated 2024-08-07.

Conditions:
Finnish congenital nephrotic syndrome (NPHS1). Also called: NEPHROTIC SYNDROME, TYPE 1. Identifiers: Orphanet 839, MedGen C0403399, MONDO:0009732, OMIM 256300.

Submissions (2):

Natera, Inc.
Classification: Likely pathogenic for Finnish congenital nephrotic syndrome. Last evaluated: 2024-08-07. Review status: criteria provided, single submitter. Criteria: Natera Variant Classification Schema (03/2026). Collection method: clinical testing. Allele origin: germline.
Comment: The c.542_543del variant in NPHS1 is a frameshift variant predicted to shift the reading frame and introduce a stop codon. This variant is expected to result in nonsense mediated decay, truncation, or a dysfunctional protein product. This variant is rare in the general population with a frequency below the threshold expected for the associated phenotype(s). Given the available evidence, this variant is classified as Likely Pathogenic.

Victorian Clinical Genetics Services, Murdoch Childrens Research Institute
Classification: Pathogenic for Finnish congenital nephrotic syndrome. Last evaluated: 2022-02-02. Review status: criteria provided, single submitter. Criteria: ACMG Guidelines, 2015. Collection method: clinical testing. Allele origin: germline. Inheritance: Autosomal recessive inheritance. Affected: yes.
Comment: Based on the classification scheme VCGS_Germline_v1.3.4, this variant is classified as Pathogenic. Following criteria are met: 0102 - Loss of function is a known mechanism of disease in this gene and is associated with type 1 nephrotic syndrome (MIM#256300). (I) 0106 - This gene is associated with autosomal recessive disease. (I) 0201 - Variant is predicted to cause nonsense-mediated decay (NMD) and loss of protein (premature termination codon is located at least 54 nucleotides upstream of the final exon-exon junction). (SP) 0251 - This variant is heterozygous. (I) 0301 - Variant is absent from gnomAD (both v2 and v3). (SP) 0701 - Other variants predicted to result in a premature termination codon comparable to the one identified in this case have very strong previous evidence for pathogenicity. Many NMD-predicted variants in this gene have been reported as likely pathogenic/pathogenic (ClinVar). (SP) 0807 - This variant has no previous evidence of pathogenicity. (I) 0905 - No published segregation evidence has been identified for this variant. (I) 1007 - No published functional evidence has been identified for this variant. (I) 1208 - Inheritance information for this variant is not currently available in this individual. (I) Legend: (SP) - Supporting pathogenic, (I) - Information, (SB) - Supporting benign

NM_004646.4(NPHS1):c.542_543del (p.Ile180_Ser181insTer)

Gene: NPHS1 (NPHS1 adhesion molecule, nephrin; minus strand). Cytogenetic location: 19q13.12.
Variant type: Deletion.
Coding change: c.542_543del on transcript NM_004646.4 (MANE Select); coding-DNA positions 542 to 543, 2 bases deleted (CT; older notation c.542_543delCT).
Protein change: p.Ile180_Ser181insTer.
Molecular consequence: nonsense. On other transcripts: frameshift variant (2).
Genome position (GRCh38, 1-based): chr19:35,850,429-35,850,430, AG deleted on the plus strand (CT on the coding strand, the reverse complement: NPHS1 is on the minus strand); deleting any 2 consecutive bases within chr19:35,850,429-35,850,431 gives the same sequence; the c. name uses the placement nearest the transcript's 3' end. VCF-style (leftmost placement, unchanged base first): chr19-35850428-CAG-C. GRCh37 (hg19) VCF-style: chr19-36341330-CAG-C.
Other names: c.542_543del (NM_004646.3); c.541_542delTC, p.Ser181Terfs (NM_004646.3); c.542_543delCT (NM_004646.3).
Identifiers: ClinVar variation 1805064 (VCV001805064.2), dbSNP rs2513782246, ClinGen allele CA2573050764.